The following is an entry in ClinVar:

ClinVar aggregate classification (germline): Uncertain significance (1 of 4 stars; one submission).

Conditions:
Acrodysostosis 1 with or without hormone resistance (ACRDYS1). Also called: ACRODYSOSTOSIS 1 WITH HORMONE RESISTANCE; ACRODYSOSTOSIS 1 WITHOUT HORMONE RESISTANCE; ACRODYSOSTOSIS WITH HORMONE RESISTANCE. Identifiers: Orphanet 280651, MedGen C3276228, MONDO:0007044, OMIM 101800.

gnomAD v4.1: 48 of 1,614,194 alleles (0.003%); highest among the groups gnomAD compares: Middle Eastern, 0.049%; 1 homozygote.

Submission:

Ambry Genetics
Classification: Uncertain significance. Last evaluated: 2024-03-25. Review status: criteria provided, single submitter. Criteria: Ambry Variant Classification Scheme 2023. Collection method: clinical testing. Allele origin: germline.

NM_017983.7(WIPI1):c.889A>G (p.Met297Val)

Genes: ARSG (arylsulfatase G; plus strand), PRKAR1A (protein kinase cAMP-dependent type I regulatory subunit alpha; plus strand), WIPI1 (WD repeat domain, phosphoinositide interacting 1; minus strand). Cytogenetic location: 17q24.2.
Variant type: single nucleotide variant.
Coding change: c.889A>G on transcript NM_017983.7 (MANE Select); coding-DNA position 889, A replaced by G.
Protein change: p.Met297Val; replaces methionine 297 with valine.
Molecular consequence: missense variant. On other transcripts: non-coding transcript variant (2), intron variant (4).
Genome position (GRCh38, 1-based): chr17:68,430,072, T>C on the plus strand (A>G on the coding strand, the complement: WIPI1 is on the minus strand). VCF-style: chr17-68430072-T-C. GRCh37 (hg19) VCF-style: chr17-66426213-T-C.
Other names: c.643A>G, p.Met215Val (NM_001320772.2); c.1304-10629T>C (NM_001352910.2); c.*43+9566T>C (NM_001352905.2); c.1256-10629T>C (NM_001352909.2); c.-7+16277T>C (NM_001278433.2); short protein forms M215V, M297V.
Identifiers: ClinVar variation 3333127 (VCV003333127.3).